The following is an entry in ClinVar:

NM_015214.3(DDHD2):c.1673A>G (p.Glu558Gly)

Gene: DDHD2 (DDHD domain containing 2; plus strand). Cytogenetic location: 8p11.23.
Variant type: single nucleotide variant.
Coding change: c.1673A>G on transcript NM_015214.3 (MANE Select); coding-DNA position 1673, A replaced by G.
Protein change: p.Glu558Gly; replaces glutamic acid 558 with glycine.
Molecular consequence: missense variant. On other transcripts: non-coding transcript variant (2).
Genome position (GRCh38, 1-based): chr8:38,252,777, A>G. VCF-style: chr8-38252777-A-G. GRCh37 (hg19) VCF-style: chr8-38110295-A-G.
Other names: c.1673A>G, p.Glu558Gly (NM_001164232.2, NM_001362911.2, NM_001362912.2 and 1 more transcripts); c.1583A>G, p.Glu528Gly (NM_001362913.2); short protein forms E528G, E558G.
Identifiers: ClinVar variation 2134320 (VCV002134320.4), dbSNP rs2486988003, ClinGen allele CA370694127.

ClinVar aggregate classification (germline): Uncertain significance (1 of 4 stars; one submission).

Conditions:
Hereditary spastic paraplegia 54. Also called: Spastic paraplegia 54, autosomal recessive. Identifiers: Orphanet 320380, MedGen C3539495, MONDO:0014018, OMIM 615033.

Submission:

Labcorp Genetics (formerly Invitae), Labcorp
Classification: Uncertain significance for Hereditary spastic paraplegia 54. Last evaluated: 2022-10-24. Review status: criteria provided, single submitter. Criteria: Invitae Variant Classification Sherloc (09022015). Collection method: clinical testing. Allele origin: germline.
Comment: In summary, the available evidence is currently insufficient to determine the role of this variant in disease. Therefore, it has been classified as a Variant of Uncertain Significance. Advanced modeling of protein sequence and biophysical properties (such as structural, functional, and spatial information, amino acid conservation, physicochemical variation, residue mobility, and thermodynamic stability) performed at Invitae indicates that this missense variant is not expected to disrupt DDHD2 protein function. This variant has not been reported in the literature in individuals affected with DDHD2-related conditions. This variant is not present in population databases (gnomAD no frequency). This sequence change replaces glutamic acid, which is acidic and polar, with glycine, which is neutral and non-polar, at codon 558 of the DDHD2 protein (p.Glu558Gly).